The following is an entry in ClinVar:

ClinVar aggregate classification (germline): Likely benign (1 of 4 stars; one submission).

Conditions:
BBS5-related disorder. Also called: BBS5-related condition.

Submission:

PreventionGenetics, part of Exact Sciences
Classification: Likely benign for BBS5-related condition. Last evaluated: 2026-05-11. Review status: criteria provided, single submitter. Criteria: ACMG Guidelines, 2015. Collection method: clinical testing. Allele origin: germline.
Comment: This variant is classified as likely benign based on ACMG/AMP sequence variant interpretation guidelines (Richards et al. 2015 PMID: 25741868, with internal and published modifications).

NM_152384.3(BBS5):c.174C>A (p.Leu58=)

Gene: BBS5 (Bardet-Biedl syndrome 5; plus strand). Cytogenetic location: 2q31.1.
Variant type: single nucleotide variant.
Coding change: c.174C>A on transcript NM_152384.3 (MANE Select); coding-DNA position 174, C replaced by A.
Protein change: p.Leu58=; no amino-acid change (leucine 58 retained).
Molecular consequence: synonymous variant.
Genome position (GRCh38, 1-based): chr2:169,487,100, C>A. VCF-style: chr2-169487100-C-A. GRCh37 (hg19) VCF-style: chr2-170343610-C-A.
Identifiers: ClinVar variation 4991733 (VCV004991733.1).